The following is an entry in ClinVar:

ClinVar aggregate classification (germline): Uncertain significance (1 of 4 stars; one submission).

Conditions:
TTN-related disorder. Also called: TTN-related disorders; TTN-related condition; TTN-related disease.

gnomAD v4.1: 3 of 1,613,720 alleles (0.00019%); highest among the groups gnomAD compares: Non-Finnish European, 0.00025%; no homozygotes.

Submission:

PreventionGenetics, part of Exact Sciences
Classification: Uncertain significance for TTN-related condition. Last evaluated: 2026-08-04. Review status: criteria provided, single submitter. Criteria: ACMG Guidelines, 2015. Collection method: clinical testing. Allele origin: germline.
Comment: The TTN c.82229G>A variant is predicted to result in the amino acid substitution p.Arg27410Lys. To our knowledge, this variant has not been reported in the literature or in a large population database (gnomAD), indicating this variant is rare. At this time, the clinical significance of this variant is uncertain due to the absence of conclusive functional and genetic evidence.

NM_001267550.2(TTN):c.82229G>A (p.Arg27410Lys)

Genes: TTN (titin; minus strand), TTN-AS1 (TTN antisense RNA 1; plus strand). Cytogenetic location: 2q31.2.
Variant type: single nucleotide variant.
Coding change: c.82229G>A on transcript NM_001267550.2 (MANE Select); coding-DNA position 82229, G replaced by A.
Protein change: p.Arg27410Lys; replaces arginine 27410 with lysine.
Molecular consequence: missense variant.
Genome position (GRCh38, 1-based): chr2:178,563,903, C>T on the plus strand (G>A on the coding strand, the complement: TTN is on the minus strand). VCF-style: chr2-178563903-C-T. GRCh37 (hg19) VCF-style: chr2-179428630-C-T.
Other names: c.77306G>A, p.Arg25769Lys (NM_001256850.1); c.55034G>A, p.Arg18345Lys (NM_003319.4); c.74525G>A, p.Arg24842Lys (NM_133378.4); c.55409G>A, p.Arg18470Lys (NM_133432.3); c.55610G>A, p.Arg18537Lys (NM_133437.4); short protein forms R24842K, R25769K, R18345K, R18470K, R18537K, R27410K.
Identifiers: ClinVar variation 4992187 (VCV004992187.1).